The following is an entry in ClinVar:

NM_002860.4(ALDH18A1):c.1445C>G (p.Ser482Cys)

Gene: ALDH18A1 (aldehyde dehydrogenase 18 family member A1; minus strand). Cytogenetic location: 10q24.1.
Variant type: single nucleotide variant.
Coding change: c.1445C>G on transcript NM_002860.4 (MANE Select); coding-DNA position 1445, C replaced by G.
Protein change: p.Ser482Cys; replaces serine 482 with cysteine.
Molecular consequence: missense variant.
Genome position (GRCh38, 1-based): chr10:95,621,053, G>C on the plus strand (C>G on the coding strand, the complement: ALDH18A1 is on the minus strand). VCF-style: chr10-95621053-G-C. GRCh37 (hg19) VCF-style: chr10-97380810-G-C.
Other names: c.1439C>G, p.Ser480Cys (NM_001017423.2, NM_001323415.2); c.1112C>G, p.Ser371Cys (NM_001323412.2, NM_001323416.2); c.1445C>G, p.Ser482Cys (NM_001323413.2, NM_001323414.2); c.1340C>G, p.Ser447Cys (NM_001323417.2); c.1106C>G, p.Ser369Cys (NM_001323418.2); c.809C>G, p.Ser270Cys (NM_001323419.2); short protein forms S371C, S447C, S369C, S270C, S480C, S482C.
Identifiers: ClinVar variation 3108753 (VCV003108753.1), dbSNP rs937571172, ClinGen allele CA377701268.
Genomic context (GRCh38, chr10:95,621,053, plus strand): 5'-AATGGCAGGGTATTTATTCTCCCGGGGTATATACACACCTGGGGTAGACAGTCAGGACGA[G>C]ATTCAAAGATCACCAGCAGAACTCCAATTGGGACAGTCACTTGTTCCAGTTCCAAGTTTT-3'
Protein context (NP_002851.2, residues 472-492): PIGVLLVIFE[Ser482Cys]RPDCLPQVAA

ClinVar aggregate classification (germline): Uncertain significance (1 of 4 stars; one submission).

Conditions:
Inborn genetic diseases. Identifiers: MedGen C0950123, MeSH D030342.

gnomAD v4.1: 1 of 1,614,078 alleles (0.000062%); highest among the groups gnomAD compares: Non-Finnish European, 0.000085%; no homozygotes.

Submission:

Ambry Genetics
Classification: Uncertain significance for Inborn genetic diseases. Last evaluated: 2023-10-27. Review status: criteria provided, single submitter. Criteria: Ambry Variant Classification Scheme 2023. Collection method: clinical testing. Allele origin: germline.
Comment: The c.1445C>G (p.S482C) alteration is located in exon 12 (coding exon 11) of the ALDH18A1 gene. This alteration results from a C to G substitution at nucleotide position 1445, causing the serine (S) at amino acid position 482 to be replaced by a cysteine (C). This variant was not reported in population-based cohorts in the Genome Aggregation Database (gnomAD). This amino acid position is highly conserved in available vertebrate species. This alteration is predicted to be deleterious by in silico analysis. Based on insufficient or conflicting evidence, the clinical significance of this alteration remains unclear.